The following is an entry in ClinVar:

ClinVar aggregate classification (germline): Uncertain significance. Review status: criteria provided, multiple submitters, no conflicts (2 of 4 stars). 3 submissions from 3 submitters: Uncertain significance (3). Last evaluated 2025-08-07.

Conditions:
Juvenile polyposis syndrome (JPS). Identifiers: Orphanet 2929, MedGen C0345893, MONDO:0017380, OMIM 174900.
Familial thoracic aortic aneurysm and aortic dissection (TAAD). Also called: Thoracic aortic aneurysms and dissections. Identifiers: Orphanet 91387, MedGen C4707243, MONDO:0019625.
Hereditary cancer-predisposing syndrome. Also called: Hereditary neoplastic syndrome; Tumor predisposition; Neoplastic Syndromes, Hereditary; Hereditary Cancer Syndrome. Identifiers: Orphanet 140162, MedGen C0027672, MeSH D009386, MONDO:0015356.

Submissions (3):

Labcorp Genetics (formerly Invitae), Labcorp
Classification: Uncertain significance for Juvenile polyposis syndrome. Last evaluated: 2025-08-07. Review status: criteria provided, single submitter. Criteria: Invitae Variant Classification Sherloc (09022015). Collection method: clinical testing. Allele origin: germline.
Comment: This sequence change replaces alanine, which is neutral and non-polar, with valine, which is neutral and non-polar, at codon 241 of the SMAD4 protein (p.Ala241Val). This variant is not present in population databases (gnomAD no frequency). This variant has not been reported in the literature in individuals affected with SMAD4-related conditions. ClinVar contains an entry for this variant (Variation ID: 953808). Invitae Evidence Modeling of protein sequence and biophysical properties (such as structural, functional, and spatial information, amino acid conservation, physicochemical variation, residue mobility, and thermodynamic stability) indicates that this missense variant is not expected to disrupt SMAD4 protein function with a negative predictive value of 95%. In summary, the available evidence is currently insufficient to determine the role of this variant in disease. Therefore, it has been classified as a Variant of Uncertain Significance.

Ambry Genetics
Classification: Uncertain significance for Hereditary cancer-predisposing syndrome; Familial thoracic aortic aneurysm and aortic dissection. Last evaluated: 2024-11-08. Review status: criteria provided, single submitter. Criteria: Ambry Variant Classification Scheme 2023. Collection method: clinical testing. Allele origin: germline.
Comment: The p.A241V variant (also known as c.722C>T), located in coding exon 5 of the SMAD4 gene, results from a C to T substitution at nucleotide position 722. The alanine at codon 241 is replaced by valine, an amino acid with similar properties. This amino acid position is conserved. In addition, the in silico prediction for this alteration is inconclusive. Based on the available evidence, the clinical significance of this variant remains unclear.

GeneDx
Classification: Uncertain significance. Last evaluated: 2020-01-23. Review status: criteria provided, single submitter. Criteria: GeneDx Variant Classification Process June 2021. Collection method: clinical testing. Allele origin: germline. Affected: yes.
Comment: Has not been previously published as pathogenic or benign to our knowledge; Not observed in large population cohorts (Lek et al., 2016); In silico analysis, which includes protein predictors and evolutionary conservation, supports that this variant does not alter protein structure/function

NM_005359.6(SMAD4):c.722C>T (p.Ala241Val)

Gene: SMAD4 (SMAD family member 4; plus strand). Cytogenetic location: 18q21.2.
Variant type: single nucleotide variant.
Coding change: c.722C>T on transcript NM_005359.6 (MANE Select); coding-DNA position 722, C replaced by T.
Protein change: p.Ala241Val; replaces alanine 241 with valine.
Molecular consequence: missense variant.
Genome position (GRCh38, 1-based): chr18:51,058,179, C>T. VCF-style: chr18-51058179-C-T. GRCh37 (hg19) VCF-style: chr18-48584549-C-T.
Other names: short protein forms A241V.
Identifiers: ClinVar variation 953808 (VCV000953808.12), dbSNP rs1909892795, ClinGen allele CA402462814.